The following is an entry in ClinVar:

NM_002336.3(LRP6):c.523A>T (p.Ile175Phe)

Gene: LRP6 (LDL receptor related protein 6; minus strand). Cytogenetic location: 12p13.2.
Variant type: single nucleotide variant.
Coding change: c.523A>T on transcript NM_002336.3 (MANE Select); coding-DNA position 523, A replaced by T.
Protein change: p.Ile175Phe; replaces isoleucine 175 with phenylalanine.
Molecular consequence: missense variant. On other transcripts: non-coding transcript variant (1), intron variant (1).
Genome position (GRCh38, 1-based): chr12:12,203,327, T>A on the plus strand (A>T on the coding strand, the complement: LRP6 is on the minus strand). VCF-style: chr12-12203327-T-A. GRCh37 (hg19) VCF-style: chr12-12356261-T-A.
Other names: c.523A>T, p.Ile175Phe (NM_001414244.1, NM_001414245.1, NM_001414246.1 and 5 more transcripts); c.70A>T, p.Ile24Phe (NM_001414252.1, NM_001414253.1, NM_001414254.1); c.450-16208A>T (NM_001414247.1); short protein forms I24F, I175F.
Identifiers: ClinVar variation 4741572 (VCV004741572.1).

ClinVar aggregate classification (germline): Uncertain significance (1 of 4 stars; one submission).

Submission:

Labcorp Genetics (formerly Invitae), Labcorp
Classification: Uncertain significance. Last evaluated: 2025-10-27. Review status: criteria provided, single submitter. Criteria: Invitae Variant Classification Sherloc (09022015). Collection method: clinical testing. Allele origin: germline.
Comment: This sequence change replaces isoleucine, which is neutral and non-polar, with phenylalanine, which is neutral and non-polar, at codon 175 of the LRP6 protein (p.Ile175Phe). This variant is not present in population databases (gnomAD no frequency). This variant has not been reported in the literature in individuals affected with LRP6-related conditions. Invitae Evidence Modeling of protein sequence and biophysical properties (such as structural, functional, and spatial information, amino acid conservation, physicochemical variation, residue mobility, and thermodynamic stability) indicates that this missense variant is not expected to disrupt LRP6 protein function with a negative predictive value of 80%. In summary, the available evidence is currently insufficient to determine the role of this variant in disease. Therefore, it has been classified as a Variant of Uncertain Significance.